The following is an entry in ClinVar:

NM_006612.6(KIF1C):c.1963C>T (p.Arg655Trp)

Genes: KIF1C (kinesin family member 1C; plus strand), LOC126862473 (CDK7 strongly-dependent group 2 enhancer GRCh37_chr17:4923264-4924463; plus strand). Cytogenetic location: 17p13.2.
Variant type: single nucleotide variant.
Coding change: c.1963C>T on transcript NM_006612.6 (MANE Select); coding-DNA position 1963, C replaced by T.
Protein change: p.Arg655Trp; replaces arginine 655 with tryptophan.
Molecular consequence: missense variant.
Genome position (GRCh38, 1-based): chr17:5,020,831, C>T. VCF-style: chr17-5020831-C-T. GRCh37 (hg19) VCF-style: chr17-4924126-C-T.
Other names: c.1963C>T (NM_006612.5); short protein forms R655W.
Identifiers: ClinVar variation 1969617 (VCV001969617.7), dbSNP rs753129039, ClinGen allele CA8319178.
Genomic context (GRCh38, chr17:5,020,831, plus strand): 5'-AGGTTGCTCTTCCTTCCCTCCCTGTCCAATCCCAGGCTGCAGGATCTGGAGAATCAGTAC[C>T]GGAAAGAAAAGGAAGAAGCCGATCTTCTGCTGGAGCAGCAGCGACTGGTGAGGGGCAGCA-3'
Protein context (NP_006603.2, residues 645-665): KRLQDLENQY[Arg655Trp]KEKEEADLLL

ClinVar aggregate classification (germline): Uncertain significance. Review status: criteria provided, multiple submitters, no conflicts (2 of 4 stars). 3 submissions from 3 submitters: Uncertain significance (3). Last evaluated 2025-09-05.

Conditions:
Inborn genetic diseases. Identifiers: MedGen C0950123, MeSH D030342.
Spastic ataxia 2. Also called: Ataxia, spastic, 2, autosomal recessive. Identifiers: Orphanet 397946, MedGen C1969796, MONDO:0012651, OMIM 611302.

Allele frequency attached by ClinVar (database versions not stated): gnomAD 0.00001; gnomAD exomes 0.00001; TOPMed 0.00001; ExAC 0.00002.
gnomAD v4.1: 15 of 1,592,754 alleles (0.00094%); highest among the groups gnomAD compares: South Asian, 0.0023%; no homozygotes.

Submissions (3):

Ambry Genetics
Classification: Uncertain significance for Inborn genetic diseases. Last evaluated: 2025-09-05. Review status: criteria provided, single submitter. Criteria: Ambry Variant Classification Scheme 2023. Collection method: clinical testing. Allele origin: germline.

Labcorp Genetics (formerly Invitae), Labcorp
Classification: Uncertain significance for Spastic ataxia 2. Last evaluated: 2022-08-24. Review status: criteria provided, single submitter. Criteria: Invitae Variant Classification Sherloc (09022015). Collection method: clinical testing. Allele origin: germline.
Comment: In summary, the available evidence is currently insufficient to determine the role of this variant in disease. Therefore, it has been classified as a Variant of Uncertain Significance. This sequence change replaces arginine, which is basic and polar, with tryptophan, which is neutral and slightly polar, at codon 655 of the KIF1C protein (p.Arg655Trp). This variant is present in population databases (rs753129039, gnomAD 0.007%). This variant has not been reported in the literature in individuals affected with KIF1C-related conditions. Algorithms developed to predict the effect of missense changes on protein structure and function are either unavailable or do not agree on the potential impact of this missense change (SIFT: "Deleterious"; PolyPhen-2: "Benign"; Align-GVGD: "Class C35").

Blueprint Genetics
Classification: Uncertain significance. Last evaluated: 2021-04-29. Review status: criteria provided, single submitter. Criteria: ACMG Guidelines, 2015. Collection method: clinical testing. Allele origin: germline.